The following is an entry in ClinVar:

ClinVar aggregate classification (germline): Uncertain significance. Review status: criteria provided, multiple submitters, no conflicts (2 of 4 stars). 2 submissions from 2 submitters: Uncertain significance (2). Last evaluated 2022-07-13.

Conditions:
Vitamin D hydroxylation-deficient rickets, type 1B. Also called: Rickets due to Defect in Vitamin D 25-hydroxylation; PSEUDOVITAMIN D3 DEFICIENCY RICKETS DUE TO 25-HYDROXYLASE DEFICIENCY; VITAMIN D-DEPENDENT RICKETS, TYPE 1B. Identifiers: Orphanet 289157, MedGen C1838657, MONDO:0010810, OMIM 600081.

Allele frequency attached by ClinVar (database versions not stated): gnomAD exomes below 0.00001.
gnomAD v4.1: 1 of 1,612,934 alleles (0.000062%); highest among the groups gnomAD compares: Admixed American, 0.0017%; no homozygotes.

Submissions (2):

Labcorp Genetics (formerly Invitae), Labcorp
Classification: Uncertain significance. Last evaluated: 2022-07-13. Review status: criteria provided, single submitter. Criteria: Invitae Variant Classification Sherloc (09022015). Collection method: clinical testing. Allele origin: germline.
Comment: In summary, the available evidence is currently insufficient to determine the role of this variant in disease. Therefore, it has been classified as a Variant of Uncertain Significance. Algorithms developed to predict the effect of missense changes on protein structure and function (SIFT, PolyPhen-2, Align-GVGD) all suggest that this variant is likely to be disruptive. ClinVar contains an entry for this variant (Variation ID: 1025990). This variant has not been reported in the literature in individuals affected with CYP2R1-related conditions. This variant is present in population databases (no rsID available, gnomAD 0.003%). This sequence change replaces glycine, which is neutral and non-polar, with arginine, which is basic and polar, at codon 450 of the CYP2R1 protein (p.Gly450Arg).

Fulgent Genetics
Classification: Uncertain significance for Vitamin D hydroxylation-deficient rickets, type 1B. Last evaluated: 2021-12-29. Review status: criteria provided, single submitter. Criteria: ACMG Guidelines, 2015. Collection method: clinical testing. Allele origin: unknown.

NM_024514.5(CYP2R1):c.1348G>C (p.Gly450Arg)

Genes: PDE3B (phosphodiesterase 3B; plus strand), CYP2R1 (cytochrome P450 family 2 subfamily R member 1; minus strand). Cytogenetic location: 11p15.2.
Variant type: single nucleotide variant.
Coding change: c.1348G>C on transcript NM_024514.5 (MANE Select); coding-DNA position 1348, G replaced by C.
Protein change: p.Gly450Arg; replaces glycine 450 with arginine.
Molecular consequence: missense variant.
Genome position (GRCh38, 1-based): chr11:14,878,280, C>G on the plus strand (G>C on the coding strand, the complement: CYP2R1 is on the minus strand). VCF-style: chr11-14878280-C-G. GRCh37 (hg19) VCF-style: chr11-14899826-C-G.
Other names: c.1003G>C, p.Gly335Arg (NM_001377214.1, NM_001377215.1, NM_001377216.1 and 1 more transcripts); c.1186G>C, p.Gly396Arg (NM_001377217.1); short protein forms G335R, G396R, G450R.
Identifiers: ClinVar variation 1025990 (VCV001025990.7), dbSNP rs1565176051, ClinGen allele CA379744596.